The following is an entry in ClinVar:

NM_030662.4(MAP2K2):c.529-10T>C

Gene: MAP2K2 (mitogen-activated protein kinase kinase 2; minus strand). Cytogenetic location: 19p13.3.
Variant type: single nucleotide variant.
Coding change: c.529-10T>C on transcript NM_030662.4 (MANE Select); 10 bases into the intron before coding-DNA position 529, T replaced by C.
Molecular consequence: intron variant.
Genome position (GRCh38, 1-based): chr19:4,101,290, A>G on the plus strand (T>C on the coding strand, the complement: MAP2K2 is on the minus strand). VCF-style: chr19-4101290-A-G. GRCh37 (hg19) VCF-style: chr19-4101288-A-G.
Identifiers: ClinVar variation 516995 (VCV000516995.4), dbSNP rs551098822, ClinGen allele CA9090911.

ClinVar aggregate classification (germline): Conflicting classifications of pathogenicity. Review status: criteria provided, conflicting classifications (1 of 4 stars). 3 submissions from 3 submitters: Uncertain significance (1); Likely benign (2). Last evaluated 2025-05-18.

Conditions:
RASopathy. Also called: rasopathies; Noonan spectrum disorder. Identifiers: Orphanet 536391, MedGen C5555857, MONDO:0021060.

Allele frequency attached by ClinVar (database versions not stated): gnomAD 0.00001; gnomAD exomes 0.00001 and 0.00002; ExAC 0.00006; 1000 Genomes Project 30x 0.00016; 1000 Genomes Project 0.00020.
gnomAD v4.1: 17 of 1,574,558 alleles (0.0011%); highest among the groups gnomAD compares: South Asian, 0.0035%; no homozygotes.

Submissions (3):

Labcorp Genetics (formerly Invitae), Labcorp
Classification: Likely benign for RASopathy. Last evaluated: 2025-05-18. Review status: criteria provided, single submitter. Criteria: Invitae Variant Classification Sherloc (09022015). Collection method: clinical testing. Allele origin: germline.

Women's Health and Genetics/Laboratory Corporation of America, LabCorp
Classification: Uncertain significance. Last evaluated: 2021-04-05. Review status: criteria provided, single submitter. Criteria: LabCorp Variant Classification Summary - May 2015. Collection method: clinical testing. Allele origin: germline.
Comment: Variant summary: MAP2K2 c.529-10T>C alters a non-conserved nucleotide located close to a canonical splice site and therefore could affect mRNA splicing, leading to a significantly altered protein sequence. 4/4 computational tools predict no significant impact on normal splicing. However, these predictions have yet to be confirmed by functional studies. The variant allele was found at a frequency of 1.6e-05 in 186658 control chromosomes (gnomAD). The available data on variant occurrences in the general population are insufficient to allow any conclusion about variant significance. To our knowledge, no occurrence of c.529-10T>C in individuals affected with Cardiofaciocutaneous Syndrome and no experimental evidence demonstrating its impact on protein function have been reported. One ClinVar submitter (evaluation after 2014) cites the variant as likely benign. Based on the evidence outlined above, the variant was classified as uncertain significance.

GeneDx
Classification: Likely benign. Last evaluated: 2017-08-30. Review status: criteria provided, single submitter. Criteria: GeneDx Variant Classification (06012015). Collection method: clinical testing. Allele origin: germline. Affected: yes.
Comment: This variant is considered likely benign or benign based on one or more of the following criteria: it is a conservative change, it occurs at a poorly conserved position in the protein, it is predicted to be benign by multiple in silico algorithms, and/or has population frequency not consistent with disease.